The following is an entry in ClinVar:

ClinVar aggregate classification (germline): Uncertain significance (1 of 4 stars; one submission).

gnomAD v4.1: 1 of 1,609,246 alleles (0.000062%); highest among the groups gnomAD compares: Non-Finnish European, 0.000085%; no homozygotes.

Submission:

Labcorp Genetics (formerly Invitae), Labcorp
Classification: Uncertain significance. Last evaluated: 2024-06-08. Review status: criteria provided, single submitter. Criteria: Invitae Variant Classification Sherloc (09022015). Collection method: clinical testing. Allele origin: germline.
Comment: This sequence change replaces tryptophan, which is neutral and slightly polar, with glycine, which is neutral and non-polar, at codon 358 of the RIPK1 protein (p.Trp358Gly). This variant is not present in population databases (gnomAD no frequency). This variant has not been reported in the literature in individuals affected with RIPK1-related conditions. An algorithm developed to predict the effect of missense changes on protein structure and function (PolyPhen-2) suggests that this variant is likely to be tolerated. In summary, the available evidence is currently insufficient to determine the role of this variant in disease. Therefore, it has been classified as a Variant of Uncertain Significance.

NM_001354930.2(RIPK1):c.1072T>G (p.Trp358Gly)

Gene: RIPK1 (receptor interacting serine/threonine kinase 1; plus strand). Cytogenetic location: 6p25.2.
Variant type: single nucleotide variant.
Coding change: c.1072T>G on transcript NM_001354930.2 (MANE Select); coding-DNA position 1072, T replaced by G.
Protein change: p.Trp358Gly; replaces tryptophan 358 with glycine.
Molecular consequence: missense variant.
Genome position (GRCh38, 1-based): chr6:3,105,547, T>G. VCF-style: chr6-3105547-T-G. GRCh37 (hg19) VCF-style: chr6-3105781-T-G.
Other names: c.934T>G, p.Trp312Gly (NM_001354931.2); c.583T>G, p.Trp195Gly (NM_001354932.2, NM_001354933.2, NM_001354934.2 and 1 more transcripts); c.1072T>G, p.Trp358Gly (NM_003804.6); short protein forms W312G, W358G, W195G.
Identifiers: ClinVar variation 3655914 (VCV003655914.2).